The following is an entry in ClinVar:

ClinVar aggregate classification (germline): Likely pathogenic (1 of 4 stars; one submission).

Submission:

GeneDx
Classification: Likely pathogenic. Last evaluated: 2024-01-22. Review status: criteria provided, single submitter. Criteria: GeneDx Variant Classification Process June 2021. Collection method: clinical testing. Allele origin: germline. Affected: yes.
Comment: Affects a glycine residue in a Gly-X-Y motif in the triple helical region of the COL4A3 gene, where the majority of pathogenic missense variants occur, and is predicted to disrupt normal protein folding and function (PMID: 10752524); Not observed at significant frequency in large population cohorts (gnomAD); In silico analysis supports that this missense variant has a deleterious effect on protein structure/function; Has not been previously published as pathogenic or benign to our knowledge; This variant is associated with the following publications: (PMID: 10752524)

NM_000091.5(COL4A3):c.2074G>T (p.Gly692Cys)

Genes: MFF-DT (MFF divergent transcript; minus strand), COL4A3 (collagen type IV alpha 3 chain; plus strand). Cytogenetic location: 2q36.3.
Variant type: single nucleotide variant.
Coding change: c.2074G>T on transcript NM_000091.5 (MANE Select); coding-DNA position 2074, G replaced by T.
Protein change: p.Gly692Cys; replaces glycine 692 with cysteine.
Molecular consequence: missense variant.
Genome position (GRCh38, 1-based): chr2:227,277,502, G>T. VCF-style: chr2-227277502-G-T. GRCh37 (hg19) VCF-style: chr2-228142218-G-T.
Other names: short protein forms G692C.
Identifiers: ClinVar variation 3367373 (VCV003367373.1).